The following is an entry in ClinVar:

NM_021930.6(RINT1):c.553C>G (p.Pro185Ala)

Gene: RINT1 (RAD50 interactor 1; plus strand). Cytogenetic location: 7q22.3.
Variant type: single nucleotide variant.
Coding change: c.553C>G on transcript NM_021930.6 (MANE Select); coding-DNA position 553, C replaced by G.
Protein change: p.Pro185Ala; replaces proline 185 with alanine.
Molecular consequence: missense variant. On other transcripts: 5 prime UTR variant (2), non-coding transcript variant (1), intron variant (1).
Genome position (GRCh38, 1-based): chr7:105,546,947, C>G. VCF-style: chr7-105546947-C-G. GRCh37 (hg19) VCF-style: chr7-105187394-C-G.
Other names: c.319C>G, p.Pro107Ala (NM_001346599.2); c.-467C>G (NM_001346600.2); c.-370C>G (NM_001346601.2); c.-27-3108C>G (NM_001346603.2); short protein forms P185A, P107A.
Identifiers: ClinVar variation 241411 (VCV000241411.14), dbSNP rs878855073, ClinGen allele CA10582458.

ClinVar aggregate classification (germline): Uncertain significance. Review status: criteria provided, multiple submitters, no conflicts (2 of 4 stars). 2 submissions from 2 submitters: Uncertain significance (2). Last evaluated 2024-04-24.

Submissions (2):

Ambry Genetics
Classification: Uncertain significance. Last evaluated: 2024-04-24. Review status: criteria provided, single submitter. Criteria: Ambry Variant Classification Scheme 2023. Collection method: clinical testing. Allele origin: germline.
Comment: The p.P185A variant (also known as c.553C>G), located in coding exon 5 of the RINT1 gene, results from a C to G substitution at nucleotide position 553. The proline at codon 185 is replaced by alanine, an amino acid with highly similar properties. This amino acid position is conserved. In addition, this alteration is predicted to be tolerated by in silico analysis. Since supporting evidence is limited at this time, the clinical significance of this alteration remains unclear.

Labcorp Genetics (formerly Invitae), Labcorp
Classification: Uncertain significance. Last evaluated: 2022-12-10. Review status: criteria provided, single submitter. Criteria: Invitae Variant Classification Sherloc (09022015). Collection method: clinical testing. Allele origin: germline.
Comment: This variant is not present in population databases (gnomAD no frequency). ClinVar contains an entry for this variant (Variation ID: 241411). This variant has not been reported in the literature in individuals affected with RINT1-related conditions. This sequence change replaces proline, which is neutral and non-polar, with alanine, which is neutral and non-polar, at codon 185 of the RINT1 protein (p.Pro185Ala). In summary, the available evidence is currently insufficient to determine the role of this variant in disease. Therefore, it has been classified as a Variant of Uncertain Significance. Algorithms developed to predict the effect of missense changes on protein structure and function (SIFT, PolyPhen-2, Align-GVGD) all suggest that this variant is likely to be tolerated.